The following is an entry in ClinVar:

ClinVar aggregate classification (germline): Pathogenic. Review status: criteria provided, multiple submitters, no conflicts (2 of 4 stars). 5 submissions from 5 submitters: Pathogenic (5). Last evaluated 2026-08-14.

Conditions:
Hereditary cancer-predisposing syndrome. Also called: Neoplastic Syndromes, Hereditary; Tumor predisposition; Hereditary Cancer Syndrome; Hereditary neoplastic syndrome. Identifiers: Orphanet 140162, MedGen C0027672, MeSH D009386, MONDO:0015356.
Hereditary leiomyomatosis and renal cell cancer. Also called: FH tumor predisposition syndrome; LEIOMYOMA, MULTIPLE CUTANEOUS; MULTIPLE CUTANEOUS AND UTERINE LEIOMYOMATA 1, WITH OR WITHOUT RENAL CELL CARCINOMA; Reed syndrome; Multiple cutaneous and uterine leiomyomatosis; Cutaneous leiomyomata with uterine leiomyomata. Identifiers: Orphanet 523, MedGen C1708350, MONDO:0007888, OMIM 150800, HP:0007437. Disease mechanism: loss of function.

Submissions (5):

Institute of Medical Genetics and Applied Genomics, University Hospital Tübingen
Classification: Pathogenic for Hereditary leiomyomatosis and renal cell cancer. Last evaluated: 2026-08-14. Review status: criteria provided, single submitter. Criteria: ACMG Guidelines, 2015. Collection method: clinical testing. Allele origin: germline. Inheritance: Autosomal dominant inheritance. Affected: yes.

Victorian Clinical Genetics Services, Murdoch Childrens Research Institute
Classification: Pathogenic for Hereditary leiomyomatosis and renal cell cancer. Last evaluated: 2025-05-21. Review status: criteria provided, single submitter. Criteria: ACMG Guidelines, 2015. Collection method: clinical testing. Allele origin: germline.
Comment: This variant is classified as Pathogenic. Evidence in support of pathogenic classification: Variant is predicted to cause nonsense-mediated decay (NMD) and loss of protein (premature termination codon is located at least 54 nucleotides upstream of the final exon-exon junction); Variant is absent from gnomAD (v2, v3 and v4); This variant has strong previous evidence of pathogenicity in unrelated individuals. This variant has been classified as pathogenic by a number of clinical laboratories in ClinVar, and reported in an individual in the literature with renal cell cancer (ClinVar, LOVD, PMID: 15937070); Other NMD predicted variants comparable to the one identified in this case have very strong previous evidence for pathogenicity. (DECIPHER). Additional information: This variant is heterozygous; This gene is associated with both recessive and dominant disease (OMIM); Loss of function is a known mechanism of disease in this gene and is associated with autosomal dominant leiomyomatosis and renal cell cancer (MIM#150800) and autosomal recessive fumarase deficiency (MIM#606812).

Ambry Genetics
Classification: Pathogenic for Hereditary cancer-predisposing syndrome. Last evaluated: 2023-03-02. Review status: criteria provided, single submitter. Criteria: Ambry Variant Classification Scheme 2023. Collection method: clinical testing. Allele origin: germline.
Comment: The p.S145* pathogenic mutation (also known as c.434C>G), located in coding exon 4 of the FH gene, results from a C to G substitution at nucleotide position 434. This changes the amino acid from a serine to a stop codon within coding exon 4. This mutation has been reported in a proband with renal cell cancer (Wei MH et al. J. Med. Genet. 2006 Jan;43(1):18-27). In addition to the clinical data presented in the literature, this alteration is expected to result in loss of function by premature protein truncation or nonsense-mediated mRNA decay. As such, this alteration is interpreted as a disease-causing mutation.

Labcorp Genetics (formerly Invitae), Labcorp
Classification: Pathogenic. Last evaluated: 2022-06-21. Review status: criteria provided, single submitter. Criteria: Invitae Variant Classification Sherloc (09022015). Collection method: clinical testing. Allele origin: germline.
Comment: For these reasons, this variant has been classified as Pathogenic. ClinVar contains an entry for this variant (Variation ID: 824814). This variant is also known as c.305C>G (p.S102X). This premature translational stop signal has been observed in individual(s) with renal cancer (PMID: 15937070). This variant is not present in population databases (gnomAD no frequency). This sequence change creates a premature translational stop signal (p.Ser145*) in the FH gene. It is expected to result in an absent or disrupted protein product. Loss-of-function variants in FH are known to be pathogenic (PMID: 11865300, 21398687).

Institute for Clinical Genetics, University Hospital TU Dresden, University Hospital TU Dresden
Classification: Pathogenic. Last evaluated: 2021-11-03. Review status: criteria provided, single submitter. Criteria: ACMG Guidelines, 2015. Collection method: clinical testing. Allele origin: germline.

Literature cited by the submitters: PubMed 15937070 (cited by Victorian Clinical Genetics Services, Murdoch Childrens Research Institute and Labcorp Genetics (formerly Invitae), Labcorp); PubMed 11865300 (cited by Labcorp Genetics (formerly Invitae), Labcorp); PubMed 21398687 (cited by Labcorp Genetics (formerly Invitae), Labcorp).

NM_000143.4(FH):c.434C>G (p.Ser145Ter)

Gene: FH (fumarate hydratase; minus strand). Cytogenetic location: 1q43.
Variant type: single nucleotide variant.
Coding change: c.434C>G on transcript NM_000143.4 (MANE Select); coding-DNA position 434, C replaced by G.
Protein change: p.Ser145Ter; replaces serine 145 with a stop codon.
Molecular consequence: nonsense.
Genome position (GRCh38, 1-based): chr1:241,512,088, G>C on the plus strand (C>G on the coding strand, the complement: FH is on the minus strand). VCF-style: chr1-241512088-G-C. GRCh37 (hg19) VCF-style: chr1-241675388-G-C.
Other names: short protein forms S145*.
Identifiers: ClinVar variation 824814 (VCV000824814.18), dbSNP rs1573885482, ClinGen allele CA345440112.